The following is an entry in ClinVar:

NM_006017.3(PROM1):c.1384G>A (p.Gly462Ser)

Gene: PROM1 (prominin 1; minus strand). Cytogenetic location: 4p15.32.
Variant type: single nucleotide variant.
Coding change: c.1384G>A on transcript NM_006017.3 (MANE Select); coding-DNA position 1384, G replaced by A.
Protein change: p.Gly462Ser; replaces glycine 462 with serine.
Molecular consequence: missense variant.
Genome position (GRCh38, 1-based): chr4:16,006,608, C>T on the plus strand (G>A on the coding strand, the complement: PROM1 is on the minus strand). VCF-style: chr4-16006608-C-T. GRCh37 (hg19) VCF-style: chr4-16008231-C-T.
Other names: c.1357G>A, p.Gly453Ser (NM_001145847.2, NM_001145848.2, NM_001145851.2 and 4 more transcripts); c.1384G>A, p.Gly462Ser (NM_001145849.2, NM_001145850.2); short protein forms G453S, G462S.
Identifiers: ClinVar variation 937880 (VCV000937880.10), dbSNP rs779901241, ClinGen allele CA2866786.

ClinVar aggregate classification (germline): Uncertain significance. Review status: criteria provided, multiple submitters, no conflicts (2 of 4 stars). 2 submissions from 2 submitters: Uncertain significance (2). Last evaluated 2025-05-14.

Allele frequency attached by ClinVar (database versions not stated): ExAC 0.00001; TOPMed 0.00001; gnomAD exomes 0.00002.
gnomAD v4.1: 29 of 1,609,934 alleles (0.0018%); highest among the groups gnomAD compares: East Asian, 0.0067%; no homozygotes.

Submissions (2):

Labcorp Genetics (formerly Invitae), Labcorp
Classification: Uncertain significance. Last evaluated: 2025-05-14. Review status: criteria provided, single submitter. Criteria: Invitae Variant Classification Sherloc (09022015). Collection method: clinical testing. Allele origin: germline.
Comment: This sequence change replaces glycine, which is neutral and non-polar, with serine, which is neutral and polar, at codon 462 of the PROM1 protein (p.Gly462Ser). This variant is present in population databases (rs779901241, gnomAD 0.01%). This variant has not been reported in the literature in individuals affected with PROM1-related conditions. ClinVar contains an entry for this variant (Variation ID: 937880). Invitae Evidence Modeling of protein sequence and biophysical properties (such as structural, functional, and spatial information, amino acid conservation, physicochemical variation, residue mobility, and thermodynamic stability) indicates that this missense variant is expected to disrupt PROM1 protein function with a positive predictive value of 80%. In summary, the available evidence is currently insufficient to determine the role of this variant in disease. Therefore, it has been classified as a Variant of Uncertain Significance.

Blueprint Genetics
Classification: Uncertain significance. Last evaluated: 2020-09-04. Review status: criteria provided, single submitter. Criteria: ACMG Guidelines, 2015. Collection method: clinical testing. Allele origin: germline.